The following is an entry in ClinVar:

ClinVar aggregate classification (germline): Likely benign (1 of 4 stars; one submission).

Allele frequency attached by ClinVar (database versions not stated): gnomAD exomes 0.00003.
gnomAD v4.1: 41 of 1,613,682 alleles (0.0025%); highest among the groups gnomAD compares: Non-Finnish European, 0.0034%; no homozygotes.

Submission:

CeGaT Center for Human Genetics Tuebingen
Classification: Likely benign. Last evaluated: 2022-06-01. Review status: criteria provided, single submitter. Criteria: CeGaT Center For Human Genetics Tuebingen Variant Classification Criteria Version 2. Collection method: clinical testing. Allele origin: germline. Affected: yes. Observed: 1 variant allele.
Comment: XIRP2: PM2:Supporting, BP4, BP7

NM_152381.6(XIRP2):c.7269A>G (p.Thr2423=)

Gene: XIRP2 (xin actin binding repeat containing 2; plus strand). Cytogenetic location: 2q24.3.
Variant type: single nucleotide variant.
Coding change: c.7269A>G on transcript NM_152381.6 (MANE Select); coding-DNA position 7269, A replaced by G.
Protein change: p.Thr2423=; no amino-acid change (threonine 2423 retained).
Molecular consequence: synonymous variant. On other transcripts: intron variant (3).
Genome position (GRCh38, 1-based): chr2:167,248,661, A>G. VCF-style: chr2-167248661-A-G. GRCh37 (hg19) VCF-style: chr2-168105171-A-G.
Other names: c.6603A>G, p.Thr2201= (NM_001199144.2); c.1276-5371A>G (NM_001199143.2); c.1177-5371A>G (NM_001079810.4); c.511-5371A>G (NM_001199145.2).
Identifiers: ClinVar variation 2651515 (VCV002651515.24), dbSNP rs2468302136, ClinGen allele CA429983213.
Genomic context (GRCh38, chr2:167,248,661, plus strand): 5'-CTCTCAGAATTCTCAGGCTAAAATCATAACAGGAAAAACCGGTGTGTTGCCACCTCCCAC[A>G]TTGCCCAAACCCAAACTTCCCAAGCATATAAAAGATAATAAGAACGATTTTTCCCCCAAA-3'
Protein context (NP_689594.4, residues 2413-2433): TGKTGVLPPP[Thr2423=]LPKPKLPKHI